The following is an entry in ClinVar:

ClinVar aggregate classification (germline): Likely benign (0 of 4 stars; one submission).

Conditions:
JAG2-related disorder. Also called: JAG2-related condition.

Allele frequency attached by ClinVar (database versions not stated): gnomAD 0.00005; TOPMed 0.00006; ExAC 0.00009; ESP Exome Variant Server 0.00015; 1000 Genomes Project 30x 0.00031.
gnomAD v4.1: 125 of 1,606,964 alleles (0.0078%); highest among the groups gnomAD compares: South Asian, 0.011%; 1 homozygote.

Submission:

PreventionGenetics, part of Exact Sciences
Classification: Likely benign for JAG2-related condition. Last evaluated: 2019-04-16. Review status: no assertion criteria provided. Collection method: clinical testing. Allele origin: germline.
Comment: This variant is classified as likely benign based on ACMG/AMP sequence variant interpretation guidelines (Richards et al. 2015 PMID: 25741868, with internal and published modifications).

NM_002226.5(JAG2):c.1812C>T (p.Gly604=)

Gene: JAG2 (jagged canonical Notch ligand 2; minus strand). Cytogenetic location: 14q32.33.
Variant type: single nucleotide variant.
Coding change: c.1812C>T on transcript NM_002226.5 (MANE Select); coding-DNA position 1812, C replaced by T.
Protein change: p.Gly604=; no amino-acid change (glycine 604 retained).
Molecular consequence: synonymous variant.
Genome position (GRCh38, 1-based): chr14:105,149,031, G>A on the plus strand (C>T on the coding strand, the complement: JAG2 is on the minus strand). VCF-style: chr14-105149031-G-A. GRCh37 (hg19) VCF-style: chr14-105615368-G-A.
Other names: c.1698C>T, p.Gly566= (NM_145159.3).
Identifiers: ClinVar variation 3051413 (VCV003051413.2), dbSNP rs138823032, ClinGen allele CA7385838.
Genomic context (GRCh38, chr14:105,149,031, plus strand): 5'-ACAGATGCAGGAAAAGTTGCCCCCTGGCTGGCTGACGCAGCGTCCATGGGGGCCACACAC[G>A]CCGGAGGCTGCTGTGCCAGGCATCCCAGGCCCCGCGTCTGACCCGCAGCCATCGATCACT-3'
Protein context (NP_002217.3, residues 594-614): GPGMPGTAAS[Gly604=]VCGPHGRCVS